The following is an entry in ClinVar:

NM_000075.4(CDK4):c.632+6G>A

Gene: CDK4 (cyclin dependent kinase 4; minus strand). Cytogenetic location: 12q14.1.
Variant type: single nucleotide variant.
Coding change: c.632+6G>A on transcript NM_000075.4 (MANE Select); 6 bases into the intron after coding-DNA position 632, G replaced by A.
Molecular consequence: intron variant.
Genome position (GRCh38, 1-based): chr12:57,750,650, C>T on the plus strand (G>A on the coding strand, the complement: CDK4 is on the minus strand). VCF-style: chr12-57750650-C-T. GRCh37 (hg19) VCF-style: chr12-58144433-C-T.
Identifiers: ClinVar variation 1006266 (VCV001006266.13), dbSNP rs762362960, ClinGen allele CA6657771.
Genomic context (GRCh38, chr12:57,750,650, plus strand): 5'-TGGATGTGGTTTATGAACAAGCGATTTGGGGAATTCAAGGTAGTCCAGGGTATGTGGGTC[C>T]CATACTTTCGACGAAACATCTCTGCAAAGATACAGCCAACACTCCACATGTCCACAGGTG-3'

ClinVar aggregate classification (germline): Conflicting classifications of pathogenicity. Review status: criteria provided, conflicting classifications (1 of 4 stars). 2 submissions from 2 submitters: Uncertain significance (1); Likely benign (1). Last evaluated 2022-10-13.

Conditions:
Familial melanoma. Also called: Hereditary melanoma; Hereditary cutaneous melanoma. Identifiers: Orphanet 618, MedGen C1512419, MONDO:0018961.
Melanoma, cutaneous malignant, susceptibility to, 3. Also called: Cutaneous malignant melanoma 3. Identifiers: Orphanet 618, MedGen C1836892, MONDO:0012183, OMIM 609048.

Allele frequency attached by ClinVar (database versions not stated): gnomAD exomes below 0.00001; ExAC 0.00001; gnomAD 0.00001; TOPMed 0.00001.

Submissions (2):

Labcorp Genetics (formerly Invitae), Labcorp
Classification: Uncertain significance for Familial melanoma. Last evaluated: 2022-10-13. Review status: criteria provided, single submitter. Criteria: Invitae Variant Classification Sherloc (09022015). Collection method: clinical testing. Allele origin: germline.
Comment: This variant has not been reported in the literature in individuals affected with CDK4-related conditions. This variant is present in population databases (rs762362960, gnomAD 0.007%). This sequence change falls in intron 5 of the CDK4 gene. It does not directly change the encoded amino acid sequence of the CDK4 protein. It affects a nucleotide within the consensus splice site. ClinVar contains an entry for this variant (Variation ID: 1006266). Variants that disrupt the consensus splice site are a relatively common cause of aberrant splicing (PMID: 17576681, 9536098). Algorithms developed to predict the effect of sequence changes on RNA splicing suggest that this variant is not likely to affect RNA splicing. In summary, the available evidence is currently insufficient to determine the role of this variant in disease. Therefore, it has been classified as a Variant of Uncertain Significance.

ARUP Laboratories, Molecular Genetics and Genomics, ARUP Laboratories
Classification: Likely benign for Melanoma, cutaneous malignant, susceptibility to, 3. Last evaluated: 2021-07-30. Review status: criteria provided, single submitter. Criteria: ARUP Molecular Germline Variant Investigation Process 2021. Collection method: clinical testing. Allele origin: germline.

Literature cited by the submitters: PubMed 17576681 (cited by Labcorp Genetics (formerly Invitae), Labcorp); PubMed 9536098 (cited by Labcorp Genetics (formerly Invitae), Labcorp).